The following is an entry in ClinVar:

ClinVar aggregate classification (germline): Uncertain significance. Review status: criteria provided, multiple submitters, no conflicts (2 of 4 stars). 2 submissions from 2 submitters: Uncertain significance (2). Last evaluated 2024-09-01.

Conditions:
Hereditary cancer-predisposing syndrome. Also called: Neoplastic Syndromes, Hereditary; Hereditary Cancer Syndrome; Tumor predisposition; Hereditary neoplastic syndrome. Identifiers: Orphanet 140162, MedGen C0027672, MeSH D009386, MONDO:0015356.
Ataxia-telangiectasia syndrome (AT). Also called: LOUIS-BAR SYNDROME; Cerebello-oculocutaneous telangiectasia; Immunodeficiency with ataxia telangiectasia; Ataxia-telangiectasia, complementation group D; AT, COMPLEMENTATION GROUP C; Ataxia-telangiectasia, complementation group E. Identifiers: Orphanet 100, MedGen C0004135, MONDO:0008840, OMIM 208900.

Submissions (2):

Labcorp Genetics (formerly Invitae), Labcorp
Classification: Uncertain significance for Ataxia-telangiectasia syndrome. Last evaluated: 2024-09-01. Review status: criteria provided, single submitter. Criteria: Invitae Variant Classification Sherloc (09022015). Collection method: clinical testing. Allele origin: germline.
Comment: This sequence change replaces phenylalanine, which is neutral and non-polar, with leucine, which is neutral and non-polar, at codon 2265 of the ATM protein (p.Phe2265Leu). This variant is not present in population databases (gnomAD no frequency). This missense change has been observed in individual(s) with clinical features of ATM-related conditions (PMID: 32522261). ClinVar contains an entry for this variant (Variation ID: 453641). An algorithm developed to predict the effect of missense changes on protein structure and function (PolyPhen-2) suggests that this variant is likely to be tolerated. In summary, the available evidence is currently insufficient to determine the role of this variant in disease. Therefore, it has been classified as a Variant of Uncertain Significance.

Ambry Genetics
Classification: Uncertain significance for Hereditary cancer-predisposing syndrome. Last evaluated: 2018-09-14. Review status: criteria provided, single submitter. Criteria: Ambry Variant Classification Scheme 2023. Collection method: clinical testing. Allele origin: germline.
Comment: The p.F2265L variant (also known as c.6795C>A), located in coding exon 45 of the ATM gene, results from a C to A substitution at nucleotide position 6795. The phenylalanine at codon 2265 is replaced by leucine, an amino acid with highly similar properties. This amino acid position is not well conserved in available vertebrate species. In addition, this alteration is predicted to be tolerated by in silico analysis. Since supporting evidence is limited at this time, the clinical significance of this alteration remains unclear.

Literature cited by the submitters: PubMed 32522261 (cited by Labcorp Genetics (formerly Invitae), Labcorp).

NM_000051.4(ATM):c.6795C>A (p.Phe2265Leu)

Genes: ATM (ATM serine/threonine kinase; plus strand), C11orf65 (chromosome 11 open reading frame 65; minus strand). Cytogenetic location: 11q22.3.
Variant type: single nucleotide variant.
Coding change: c.6795C>A on transcript NM_000051.4 (MANE Select); coding-DNA position 6795, C replaced by A.
Protein change: p.Phe2265Leu; replaces phenylalanine 2265 with leucine.
Molecular consequence: missense variant. On other transcripts: intron variant (2).
Genome position (GRCh38, 1-based): chr11:108,325,532, C>A. VCF-style: chr11-108325532-C-A. GRCh37 (hg19) VCF-style: chr11-108196259-C-A.
Other names: c.6795C>A, p.Phe2265Leu (NM_001351834.2); c.641-16461G>T (NM_001330368.2); c.*38+9688G>T (NM_001351110.2); short protein forms F2265L.
Identifiers: ClinVar variation 453641 (VCV000453641.13), dbSNP rs3218699, ClinGen allele CA382555544.
Genomic context (GRCh38, chr11:108,325,532, plus strand): 5'-ATGTATTAAGGACATTCTCACCAAACACCTTGTAGAACTCTCTATACTGGCCAGAACTTT[C>A]AAGAACACTCAGGTAAATACAATTTAAAACTATGTCATCTTACCTCTTGACTTTCCTTTT-3'
Protein context (NP_000042.3, residues 2255-2275): LVELSILART[Phe2265Leu]KNTQLPERAI